The following is an entry in ClinVar:

ClinVar aggregate classification (germline): Uncertain significance. Review status: criteria provided, single submitter (1 of 4 stars). 2 submissions from 2 submitters: Uncertain significance (1). 1 of the submissions does not count toward it. Last evaluated 2025-01-14.

Conditions:
CHMP2B-related disorder. Also called: CHMP2B-related condition.
Frontotemporal dementia and/or amyotrophic lateral sclerosis 7 (FTDALS7). Also called: CHMP2B-Related Frontotemporal Dementia-Amyotrophic Lateral Sclerosis; CHMP2B-related frontotemporal dementia; AMYOTROPHIC LATERAL SCLEROSIS, CHMP2B-RELATED; Amyotrophic lateral sclerosis 17. Identifiers: Orphanet 275864, Orphanet 282, Orphanet 803, MedGen C1833296, MONDO:0010936, OMIM 600795.

Allele frequency attached by ClinVar (database versions not stated): gnomAD exomes 0.00001; gnomAD 0.00003 and 0.00004; TOPMed 0.00003.
gnomAD v4.1: 13 of 1,597,806 alleles (0.00081%); highest among the groups gnomAD compares: African/African-American, 0.0013%; no homozygotes.

Submissions (2):

Labcorp Genetics (formerly Invitae), Labcorp
Classification: Uncertain significance for Frontotemporal dementia and/or amyotrophic lateral sclerosis 7. Last evaluated: 2025-01-14. Review status: criteria provided, single submitter. Criteria: Invitae Variant Classification Sherloc (09022015). Collection method: clinical testing. Allele origin: germline.
Comment: This sequence change falls in intron 3 of the CHMP2B gene. It does not directly change the encoded amino acid sequence of the CHMP2B protein. It affects a nucleotide within the consensus splice site. This variant is not present in population databases (gnomAD no frequency). This variant has not been reported in the literature in individuals affected with CHMP2B-related conditions. ClinVar contains an entry for this variant (Variation ID: 1361744). Variants that disrupt the consensus splice site are a relatively common cause of aberrant splicing (PMID: 17576681, 9536098). Algorithms developed to predict the effect of sequence changes on RNA splicing suggest that this variant is not likely to affect RNA splicing. In summary, the available evidence is currently insufficient to determine the role of this variant in disease. Therefore, it has been classified as a Variant of Uncertain Significance.

PreventionGenetics, part of Exact Sciences
Classification: Likely benign for CHMP2B-related condition. Last evaluated: 2021-01-22. Review status: no assertion criteria provided. Collection method: clinical testing. Allele origin: germline. Not counted in ClinVar's aggregate classification.
Comment: This variant is classified as likely benign based on ACMG/AMP sequence variant interpretation guidelines (Richards et al. 2015 PMID: 25741868, with internal and published modifications).

Literature cited by the submitters: PubMed 17576681 (cited by Labcorp Genetics (formerly Invitae), Labcorp); PubMed 9536098 (cited by Labcorp Genetics (formerly Invitae), Labcorp).

NM_014043.4(CHMP2B):c.321+3A>G

Gene: CHMP2B (charged multivesicular body protein 2B; plus strand). Cytogenetic location: 3p11.2.
Variant type: single nucleotide variant.
Coding change: c.321+3A>G on transcript NM_014043.4 (MANE Select); 3 bases into the intron after coding-DNA position 321, A replaced by G.
Molecular consequence: intron variant.
Genome position (GRCh38, 1-based): chr3:87,245,911, A>G. VCF-style: chr3-87245911-A-G. GRCh37 (hg19) VCF-style: chr3-87295061-A-G.
Other names: c.321+3A>G (NM_014043.3); c.198+3A>G (NM_001244644.2).
Identifiers: ClinVar variation 1361744 (VCV001361744.8), dbSNP rs989392144, ClinGen allele CA79034952.
Genomic context (GRCh38, chr3:87,245,911, plus strand): 5'-AACAAAAGTGATGAATTCCCAAATGAAGATGGCTGGAGCAATGTCTACTACAGCAAAAGT[A>G]AGTGAGAGCTTTTATATTCATAGATTTTTAATTTTATCAACGATATTTAAATATCAATAT-3'